The following is an entry in ClinVar:

NM_005057.4(RBBP5):c.1279T>C (p.Leu427=)

Gene: RBBP5 (RB binding protein 5, histone lysine methyltransferase complex subunit; minus strand). Cytogenetic location: 1q32.1.
Variant type: single nucleotide variant.
Coding change: c.1279T>C on transcript NM_005057.4 (MANE Select); coding-DNA position 1279, T replaced by C.
Protein change: p.Leu427=; no amino-acid change (leucine 427 retained).
Molecular consequence: synonymous variant.
Genome position (GRCh38, 1-based): chr1:205,096,799, A>G on the plus strand (T>C on the coding strand, the complement: RBBP5 is on the minus strand). VCF-style: chr1-205096799-A-G. GRCh37 (hg19) VCF-style: chr1-205065927-A-G.
Other names: c.1279T>C, p.Leu427= (NM_001193272.2); c.898T>C, p.Leu300= (NM_001193273.2).
Identifiers: ClinVar variation 4533452 (VCV004533452.6).

ClinVar aggregate classification (germline): Likely benign (1 of 4 stars; one submission).

gnomAD v4.1: 4,034 of 1,614,154 alleles (0.25%); highest among the groups gnomAD compares: Non-Finnish European, 0.29%; 9 homozygotes.

Submission:

CeGaT Center for Human Genetics Tuebingen
Classification: Likely benign. Last evaluated: 2025-12-01. Review status: criteria provided, single submitter. Criteria: CeGaT Center For Human Genetics Tuebingen Variant Classification Criteria Version 2. Collection method: clinical testing. Allele origin: germline. Affected: yes. Observed: 1 variant allele.
Comment: RBBP5: BP4, BP7